The following is an entry in ClinVar:

ClinVar aggregate classification (germline): Conflicting classifications of pathogenicity. Review status: criteria provided, conflicting classifications (1 of 4 stars). 2 submissions from 2 submitters: Uncertain significance (1); Likely benign (1). Last evaluated 2025-12-26.

Conditions:
Hereditary cancer-predisposing syndrome. Also called: Tumor predisposition; Neoplastic Syndromes, Hereditary; Hereditary Cancer Syndrome; Hereditary neoplastic syndrome. Identifiers: Orphanet 140162, MedGen C0027672, MeSH D009386, MONDO:0015356.
Gorlin syndrome. Also called: Nevoid Basal Cell Carcinoma Syndrome; Basal cell nevus syndrome. Identifiers: Orphanet 377, MedGen C0004779, MONDO:0007187.

Submissions (2):

Ambry Genetics
Classification: Uncertain significance for Hereditary cancer-predisposing syndrome. Last evaluated: 2025-12-26. Review status: criteria provided, single submitter. Criteria: Ambry Variant Classification Scheme 2023. Collection method: clinical testing. Allele origin: germline.
Comment: The c.395-5G>C intronic variant results from a G to C substitution 5 nucleotides upstream from coding exon 3 in the PTCH1 gene. This nucleotide position is not well conserved in available vertebrate species. In silico splice site analysis predicts that this alteration will not have any significant effect on splicing. Based on the available evidence, the clinical significance of this variant remains unclear.

Labcorp Genetics (formerly Invitae), Labcorp
Classification: Likely benign for Gorlin syndrome. Last evaluated: 2023-02-04. Review status: criteria provided, single submitter. Criteria: Invitae Variant Classification Sherloc (09022015). Collection method: clinical testing. Allele origin: germline.

NM_000264.5(PTCH1):c.395-5G>C

Gene: PTCH1 (patched 1; minus strand). Cytogenetic location: 9q22.32.
Variant type: single nucleotide variant.
Coding change: c.395-5G>C on transcript NM_000264.5 (MANE Select); 5 bases into the intron before coding-DNA position 395, G replaced by C.
Molecular consequence: intron variant.
Genome position (GRCh38, 1-based): chr9:95,485,879, C>G on the plus strand (G>C on the coding strand, the complement: PTCH1 is on the minus strand). VCF-style: chr9-95485879-C-G. GRCh37 (hg19) VCF-style: chr9-98248161-C-G.
Other names: c.395-5G>C (NM_000264.3, NM_001354918.2); c.392-5G>C (NM_001083603.3); c.197-5G>C (NM_001083602.3, NM_001354919.2); c.-59-5G>C (NM_001083605.3, NM_001083604.3, NM_001083606.3 and 1 more transcripts).
Identifiers: ClinVar variation 2823591 (VCV002823591.4), dbSNP rs2538270279, ClinGen allele CA2739264840.